The following is an entry in ClinVar:

ClinVar aggregate classification (germline): Uncertain significance. Review status: criteria provided, multiple submitters, no conflicts (2 of 4 stars). 3 submissions from 3 submitters: Uncertain significance (3). Last evaluated 2026-08-06.

Conditions:
Inborn genetic diseases. Identifiers: MedGen C0950123, MeSH D030342.
Differences in sex development.

Allele frequency attached by ClinVar (database versions not stated): gnomAD 0.00003; gnomAD exomes 0.00003; ExAC 0.00002; TOPMed 0.00002.
gnomAD v4.1: 49 of 1,613,316 alleles (0.003%); highest among the groups gnomAD compares: South Asian, 0.029%; no homozygotes.

Submissions (3):

NHS Central & South Genomic Laboratory Hub
Classification: Uncertain significance for Differences in sex development. Last evaluated: 2026-08-06. Review status: criteria provided, single submitter. Criteria: ACMG Guidelines, 2015. Collection method: clinical testing. Allele origin: germline. Affected: yes.

Ambry Genetics
Classification: Uncertain significance for Inborn genetic diseases. Last evaluated: 2025-08-12. Review status: criteria provided, single submitter. Criteria: Ambry Variant Classification Scheme 2023. Collection method: clinical testing. Allele origin: germline.

Labcorp Genetics (formerly Invitae), Labcorp
Classification: Uncertain significance. Last evaluated: 2022-08-14. Review status: criteria provided, single submitter. Criteria: Invitae Variant Classification Sherloc (09022015). Collection method: clinical testing. Allele origin: germline.
Comment: In summary, the available evidence is currently insufficient to determine the role of this variant in disease. Therefore, it has been classified as a Variant of Uncertain Significance. Algorithms developed to predict the effect of missense changes on protein structure and function output the following: SIFT: "Tolerated"; PolyPhen-2: "Benign"; Align-GVGD: "Class C0". The histidine amino acid residue is found in multiple mammalian species, which suggests that this missense change does not adversely affect protein function. This variant has not been reported in the literature in individuals affected with TOE1-related conditions. This variant is present in population databases (rs749051888, gnomAD 0.01%). This sequence change replaces arginine, which is basic and polar, with histidine, which is basic and polar, at codon 293 of the TOE1 protein (p.Arg293His).

NM_025077.4(TOE1):c.878G>A (p.Arg293His)

Gene: TOE1 (target of EGR1, exonuclease; plus strand). Cytogenetic location: 1p34.1.
Variant type: single nucleotide variant.
Coding change: c.878G>A on transcript NM_025077.4 (MANE Select); coding-DNA position 878, G replaced by A.
Protein change: p.Arg293His; replaces arginine 293 with histidine.
Molecular consequence: missense variant.
Genome position (GRCh38, 1-based): chr1:45,342,968, G>A. VCF-style: chr1-45342968-G-A. GRCh37 (hg19) VCF-style: chr1-45808640-G-A.
Other names: c.878G>A (NM_025077.3); short protein forms R293H.
Identifiers: ClinVar variation 1902904 (VCV001902904.7), dbSNP rs749051888, ClinGen allele CA826701.